The following is an entry in ClinVar:

ClinVar aggregate classification (germline): Likely pathogenic (1 of 4 stars; one submission).

Submission:

GeneDx
Classification: Likely pathogenic. Last evaluated: 2021-03-03. Review status: criteria provided, single submitter. Criteria: GeneDx Variant Classification Process June 2021. Collection method: clinical testing. Allele origin: germline. Affected: yes.
Comment: Frameshift variant predicted to result in protein truncation or nonsense mediated decay in a gene for which loss-of-function is a known mechanism of disease; Not observed in large population cohorts (Lek et al., 2016); Has not been previously published as pathogenic or benign to our knowledge

NM_003453.4(ZMYM2):c.3133_3136del

Gene: ZMYM2 (zinc finger MYM-type containing 2; plus strand). Cytogenetic location: 13q12.11.
Variant type: Deletion.
Coding change: c.3133_3136del on transcript NM_003453.4; coding-DNA positions 3133 to 3136, 4 bases deleted (GGAG; older notation c.3133_3136delGGAG).
Genome position (GRCh38, 1-based): chr13:20,066,851-20,066,854, GGAG deleted; deleting any 4 consecutive bases within chr13:20,066,849-20,066,854 gives the same sequence; the c. name uses the placement nearest the transcript's 3' end. VCF-style (leftmost placement, unchanged base first): chr13-20066848-TAGGG-T. GRCh37 (hg19) VCF-style: chr13-20640988-TAGGG-T.
Identifiers: ClinVar variation 1254327 (VCV001254327.4), dbSNP rs1566441592, ClinGen allele CA919220808.